The following is an entry in ClinVar:

ClinVar aggregate classification (germline): Uncertain significance (1 of 4 stars; one submission).

Submission:

Women's Health and Genetics/Laboratory Corporation of America, LabCorp
Classification: Uncertain significance. Last evaluated: 2025-04-16. Review status: criteria provided, single submitter. Criteria: LabCorp Variant Classification Summary - May 2015. Collection method: clinical testing. Allele origin: germline.
Comment: Variant summary: CASR c.2036T>A (p.Leu679Gln) results in a non-conservative amino acid change in the encoded protein sequence. Five of five in-silico tools predict a damaging effect of the variant on protein function. The variant was absent in 251154 control chromosomes. The available data on variant occurrences in the general population are insufficient to allow any conclusion about variant significance. To our knowledge, no occurrence of c.2036T>A in individuals affected with Autosomal Dominant Hypocalcemia and no experimental evidence demonstrating its impact on protein function have been reported. No submitters have cited clinical-significance assessments for this variant to ClinVar. Based on the evidence outlined above, the variant was classified as uncertain significance.

NM_000388.4(CASR):c.2036T>A (p.Leu679Gln)

Gene: CASR (calcium sensing receptor; plus strand). Cytogenetic location: 3q21.1.
Variant type: single nucleotide variant.
Coding change: c.2036T>A on transcript NM_000388.4 (MANE Select); coding-DNA position 2036, T replaced by A.
Protein change: p.Leu679Gln; replaces leucine 679 with glutamine.
Molecular consequence: missense variant.
Genome position (GRCh38, 1-based): chr3:122,283,990, T>A. VCF-style: chr3-122283990-T-A. GRCh37 (hg19) VCF-style: chr3-122002837-T-A.
Other names: c.2066T>A, p.Leu689Gln (NM_001178065.2); short protein forms L679Q, L689Q.
Identifiers: ClinVar variation 3896225 (VCV003896225.2).